The following is an entry in ClinVar:

NM_177438.3(DICER1):c.1907+105C>T

Gene: DICER1 (dicer 1, ribonuclease III; minus strand). Cytogenetic location: 14q32.13.
Variant type: single nucleotide variant.
Coding change: c.1907+105C>T on transcript NM_177438.3 (MANE Select); 105 bases into the intron after coding-DNA position 1907, C replaced by T.
Molecular consequence: intron variant.
Genome position (GRCh38, 1-based): chr14:95,115,562, G>A on the plus strand (C>T on the coding strand, the complement: DICER1 is on the minus strand). VCF-style: chr14-95115562-G-A. GRCh37 (hg19) VCF-style: chr14-95581899-G-A.
Other names: c.1907+105C>T (NM_001291628.2, NM_030621.4, NM_001271282.3 and 1 more transcripts).
Identifiers: ClinVar variation 516580 (VCV000516580.31), dbSNP rs2275182, ClinGen allele CA13983644.

ClinVar aggregate classification (germline): Benign. Review status: reviewed by expert panel (3 of 4 stars). 8 submissions from 8 submitters: Benign (1). 7 of the submissions do not count toward it. Last evaluated 2026-02-24.

Conditions:
DICER1-related tumor predisposition. Also called: DICER1-related pleuropulmonary blastoma cancer predisposition syndrome; DICER1 syndrome. Identifiers: Orphanet 284343, MedGen C3839822, MONDO:0100216.

Allele frequency attached by ClinVar (database versions not stated): gnomAD 0.22841 and 0.21959; 1000 Genomes Project 0.16573; 1000 Genomes Project 30x 0.17161; gnomAD exomes 0.19079; TOPMed 0.22257.
gnomAD v4.1: 246,077 of 1,266,438 alleles (19%); highest among the groups gnomAD compares: African/African-American, 31%; 25,582 homozygotes.

Submissions (8):

ClinGen DICER1 and miRNA-Processing Gene Variant Curation Expert Panel, ClinGen
Classification: Benign for DICER1-related tumor predisposition. Last evaluated: 2026-02-24. Review status: reviewed by expert panel. Criteria: ClinGen DICER1 ACMG Specifications DICER1 V1.4.0. Collection method: curation. Allele origin: germline. Inheritance: Autosomal dominant inheritance.
Comment: The NM_177438.3:c.1907+105C>T variant in DICER1 is an intronic variant occurring in intron 11. The highest population minor allele frequency in gnomAD v4.1.0 is 0.3131 (21327/68106 alleles) in the African/African American population, which is higher than the ClinGen DICER1 VCEP threshold (>0.003) for BA1, and therefore meets this criterion (BA1). In summary, this variant meets the criteria to be classified as Benign for DICER1 syndrome based on the ACMG/AMP criteria applied, as specified by the ClinGen DICER1 VCEP: BA1. (Bayesian Points: N/A; VCEP specifications version 1.4.0; 02/24/2026).

Labcorp Genetics (formerly Invitae), Labcorp
Classification: Benign for DICER1-related tumor predisposition. Last evaluated: 2026-01-26. Review status: criteria provided, single submitter. Criteria: Invitae Variant Classification Sherloc (09022015). Collection method: clinical testing. Allele origin: germline. Not counted in ClinVar's aggregate classification.

ARUP Laboratories, Molecular Genetics and Genomics, ARUP Laboratories
Classification: Benign. Last evaluated: 2022-09-13. Review status: criteria provided, single submitter. Criteria: ARUP Molecular Germline Variant Investigation Process 2021. Collection method: clinical testing. Allele origin: germline. Not counted in ClinVar's aggregate classification.

Foulkes Cancer Genetics LDI, Lady Davis Institute for Medical Research
Classification: Uncertain significance. Last evaluated: 2019-07-01. Review status: criteria provided, single submitter. Criteria: ACMG Guidelines, 2015. Collection method: curation. Allele origin: germline. Affected: yes. Observed: 1 variant allele. Not counted in ClinVar's aggregate classification.
Comment: ACMG criteria met: None

Mendelics
Classification: Benign for Pleuropulmonary blastoma. Last evaluated: 2019-05-28. Review status: criteria provided, single submitter. Criteria: Mendelics Assertion Criteria 2017. Collection method: clinical testing. Allele origin: unknown. Not counted in ClinVar's aggregate classification.

Laboratory for Molecular Medicine, Mass General Brigham Personalized Medicine
Classification: Benign. Last evaluated: 2018-08-22. Review status: criteria provided, single submitter. Criteria: ACMG Guidelines, 2015. Collection method: clinical testing. Allele origin: germline. Not counted in ClinVar's aggregate classification.
Comment: The c.1907+105C>T variant in DICER1 is classified as benign because it has been identified in 22% (6927/30906) of total chromosomes, including 847 homozygotes, by the Genome Aggregation Database (gnomAD). ACMG/AMP Criteria applied: BA1.

PreventionGenetics, part of Exact Sciences
Classification: Benign. Last evaluated: 2018-07-06. Review status: criteria provided, single submitter. Criteria: ACMG Guidelines, 2015. Collection method: clinical testing. Allele origin: germline. Not counted in ClinVar's aggregate classification.

GeneDx
Classification: Benign. Last evaluated: 2018-01-02. Review status: criteria provided, single submitter. Criteria: GeneDx Variant Classification (06012015). Collection method: clinical testing. Allele origin: germline. Affected: yes. Not counted in ClinVar's aggregate classification.
Comment: This variant is considered likely benign or benign based on one or more of the following criteria: it is a conservative change, it occurs at a poorly conserved position in the protein, it is predicted to be benign by multiple in silico algorithms, and/or has population frequency not consistent with disease.

Literature cited by the submitters: PubMed 25526195 (cited by Foulkes Cancer Genetics LDI, Lady Davis Institute for Medical Research).